The following is an entry in ClinVar:

NM_001374828.1(ARID1B):c.2386_2387dup (p.His797fs)

Gene: ARID1B (AT-rich interaction domain 1B; plus strand). Cytogenetic location: 6q25.3.
Variant type: Duplication.
Coding change: c.2386_2387dup on transcript NM_001374828.1 (MANE Select); coding-DNA positions 2386 to 2387, 2 bases duplicated (CC; older notation c.2386_2387dupCC).
Protein change: p.His797fs; shifts the reading frame from histidine 797.
Molecular consequence: frameshift variant. On other transcripts: 5 prime UTR variant (1).
Genome position (GRCh38, 1-based): chr6:157,084,800-157,084,801, CC duplicated; duplicating any 2 consecutive bases within chr6:157,084,798-157,084,801 gives the same sequence; the c. name uses the placement nearest the transcript's 3' end. VCF-style (leftmost placement, unchanged base first): chr6-157084797-T-TCC. GRCh37 (hg19) VCF-style: chr6-157405931-T-TCC.
Other names: c.2176_2177dupCC (NM_020732.3); c.-114_-113dup (NM_001363725.2); c.2425_2426dup, p.His810fs (NM_001371656.1, NM_001374820.1); c.2386_2387dup, p.His797fs (NM_017519.3); short protein forms H797fs, H810fs.
Identifiers: ClinVar variation 419514 (VCV000419514.1), dbSNP rs1554294665, ClinGen allele CA16618262.

ClinVar aggregate classification (germline): Pathogenic (1 of 4 stars; one submission).

Submission:

GeneDx
Classification: Pathogenic. Last evaluated: 2015-07-14. Review status: criteria provided, single submitter. Criteria: GeneDx Variant Classification (06012015). Collection method: clinical testing. Allele origin: germline. Affected: yes.
Comment: The c.2176_2177dupCC duplication in the ARID1B gene has not been reported previously as a pathogenic variant nor as a benign polymorphism, to our knowledge. The c.2176_2177dupCC duplication causes a frameshift starting with codon Histidine 727, changes this amino acid to a Leucine residue, and creates a premature Stop codon at position 19 of the new reading frame, denoted p.His727LeufsX19. This variant is predicted to cause loss of normal protein function either through protein truncation or nonsense-mediated mRNA decay. Protein truncating variants downstream of this duplication have been reported in the Human Gene Mutation Database in association with ARID1B-related disorders (Stenson et al., 2014), supporting the pathogenicity of more upstream protein truncating variants. The c.2176_2177dupCC duplication was not observed in approximately 6500 individuals of European and African American ancestry in the NHLBI Exome Sequencing Project, indicating it is not a common benign variant in these populations. We interpret c.2176_2177dupCC as a pathogenic variant.